The following is an entry in ClinVar:

NM_001572.5(IRF7):c.487_488dup (p.Ala164fs)

Gene: IRF7 (interferon regulatory factor 7; minus strand). Cytogenetic location: 11p15.5.
Variant type: Microsatellite.
Coding change: c.487_488dup on transcript NM_001572.5 (MANE Select); coding-DNA positions 487 to 488, 2 bases duplicated (CA; older notation c.487_488dupCA).
Protein change: p.Ala164fs; shifts the reading frame from alanine 164.
Molecular consequence: frameshift variant.
Genome position (GRCh38, 1-based): chr11:614,365-614,366, TG duplicated on the plus strand (CA on the coding strand, the reverse complement: IRF7 is on the minus strand); duplicating any 2 consecutive bases within chr11:614,365-614,374 gives the same sequence; the c. name uses the placement nearest the transcript's 3' end. VCF-style (leftmost placement, unchanged base first): chr11-614364-A-ATG. GRCh37 (hg19) VCF-style: chr11-614364-A-ATG.
Other names: c.487_488dup, p.Ala164fs (NM_004029.4); c.526_527dup, p.Ala177fs (NM_004031.4); short protein forms A177fs, A164fs.
Identifiers: ClinVar variation 3019670 (VCV003019670.3), dbSNP rs1258478100, ClinGen allele CA597020249.

ClinVar aggregate classification (germline): Uncertain significance (1 of 4 stars; one submission).

Conditions:
Immunodeficiency 39 (IMD39). Identifiers: Orphanet 574918, MedGen C4225358, MONDO:0014597, OMIM 616345.

Submission:

Labcorp Genetics (formerly Invitae), Labcorp
Classification: Uncertain significance for Immunodeficiency 39. Last evaluated: 2025-12-19. Review status: criteria provided, single submitter. Criteria: Invitae Variant Classification Sherloc (09022015). Collection method: clinical testing. Allele origin: germline.
Comment: This sequence change creates a premature translational stop signal (p.Ala177Metfs*35) in the IRF7 gene. It is expected to result in an absent or disrupted protein product. However, the current clinical and genetic evidence is not sufficient to establish whether loss-of-function variants in IRF7 cause disease. This variant is present in population databases (no rsID available, gnomAD 0.0009%). This variant has not been reported in the literature in individuals affected with IRF7-related conditions. In summary, the available evidence is currently insufficient to determine the role of this variant in disease. Therefore, it has been classified as a Variant of Uncertain Significance.